The following is an entry in ClinVar:

NM_001167.4(XIAP):c.887A>G (p.Asp296Gly)

Gene: XIAP (X-linked inhibitor of apoptosis; plus strand). Cytogenetic location: Xq25.
Variant type: single nucleotide variant.
Coding change: c.887A>G on transcript NM_001167.4 (MANE Select); coding-DNA position 887, A replaced by G.
Protein change: p.Asp296Gly; replaces aspartic acid 296 with glycine.
Molecular consequence: missense variant. On other transcripts: non-coding transcript variant (2).
Genome position (GRCh38, 1-based): chrX:123,888,628, A>G. VCF-style: chrX-123888628-A-G. GRCh37 (hg19) VCF-style: chrX-123022478-A-G.
Other names: c.887A>G, p.Asp296Gly (NM_001378591.1, NM_001378592.1, NM_001204401.2 and 1 more transcripts); short protein forms D296G.
Identifiers: ClinVar variation 1418576 (VCV001418576.6), dbSNP rs2148092754, ClinGen allele CA414125136.
Genomic context (GRCh38, chrX:123,888,628, plus strand): 5'-TGTGTAAGCTTCTAATTGCACAAATACATATATTCCTGTGTGTTTTCGTAGGTGAAGGTG[A>G]TAAAGTAAAGTGCTTTCACTGTGGAGGAGGGCTAACTGATTGGAAGCCCAGTGAAGACCC-3'
Protein context (NP_001158.2, residues 286-306): RAGFYALGEG[Asp296Gly]KVKCFHCGGG

ClinVar aggregate classification (germline): Uncertain significance (1 of 4 stars; one submission).

Conditions:
X-linked lymphoproliferative disease due to XIAP deficiency. Also called: XIAP DEFICIENCY; XIAP-Related Lymphoproliferative Disease, X-Linked. Identifiers: Orphanet 2442, Orphanet 538934, MedGen C1845076, MONDO:0010385, OMIM 300635.

Submission:

Labcorp Genetics (formerly Invitae), Labcorp
Classification: Uncertain significance for X-linked lymphoproliferative disease due to XIAP deficiency. Last evaluated: 2021-08-09. Review status: criteria provided, single submitter. Criteria: Invitae Variant Classification Sherloc (09022015). Collection method: clinical testing. Allele origin: germline.
Comment: This sequence change replaces aspartic acid with glycine at codon 296 of the XIAP protein (p.Asp296Gly). The aspartic acid residue is highly conserved and there is a moderate physicochemical difference between aspartic acid and glycine. This variant is not present in population databases (ExAC no frequency). This variant has not been reported in the literature in individuals with XIAP-related conditions. Algorithms developed to predict the effect of missense changes on protein structure and function are either unavailable or do not agree on the potential impact of this missense change (SIFT: "Not Available"; PolyPhen-2: "Probably Damaging"; Align-GVGD: "Not Available"). Algorithms developed to predict the effect of sequence changes on RNA splicing suggest that this variant may create or strengthen a splice site, but this prediction has not been confirmed by published transcriptional studies. In summary, the available evidence is currently insufficient to determine the role of this variant in disease. Therefore, it has been classified as a Variant of Uncertain Significance.